The following is an entry in ClinVar:

NM_022575.4(VPS16):c.1720+1G>C

Genes: PTPRA (protein tyrosine phosphatase receptor type A; plus strand), VPS16 (VPS16 core subunit of CORVET and HOPS complexes; plus strand). Cytogenetic location: 20p13.
Variant type: single nucleotide variant.
Coding change: c.1720+1G>C on transcript NM_022575.4 (MANE Select); the canonical splice donor site of the intron after coding-DNA position 1720, G replaced by C.
Molecular consequence: splice donor variant.
Genome position (GRCh38, 1-based): chr20:2,864,288, G>C. VCF-style: chr20-2864288-G-C. GRCh37 (hg19) VCF-style: chr20-2844934-G-C.
Other names: c.1288+1G>C (NM_080413.3); c.-583+1G>C (NM_002836.4).
Identifiers: ClinVar variation 5041345 (VCV005041345.1).

ClinVar aggregate classification (germline): Pathogenic (1 of 4 stars; one submission).

Submission:

CeGaT Center for Human Genetics Tuebingen
Classification: Pathogenic. Last evaluated: 2026-09-01. Review status: criteria provided, single submitter. Criteria: CeGaT Center For Human Genetics Tuebingen Variant Classification Criteria Version 2. Collection method: clinical testing. Allele origin: germline. Affected: yes. Observed: 1 variant allele.
Comment: VPS16: PVS1, PM2, PS4:Moderate